The following is an entry in ClinVar:

NM_014271.4(IL1RAPL1):c.1443C>T (p.Tyr481=)

Gene: IL1RAPL1 (interleukin 1 receptor accessory protein like 1; plus strand). Cytogenetic location: Xp21.2.
Variant type: single nucleotide variant.
Coding change: c.1443C>T on transcript NM_014271.4 (MANE Select); coding-DNA position 1443, C replaced by T.
Protein change: p.Tyr481=; no amino-acid change (tyrosine 481 retained).
Molecular consequence: synonymous variant.
Genome position (GRCh38, 1-based): chrX:29,955,172, C>T. VCF-style: chrX-29955172-C-T. GRCh37 (hg19) VCF-style: chrX-29973289-C-T.
Identifiers: ClinVar variation 913854 (VCV000913854.48), dbSNP rs777536426, ClinGen allele CA10375583.
Genomic context (GRCh38, chrX:29,955,172, plus strand): 5'-AGATGTGGCAAGATGTGTAGATCAAAGCAAGCGGCTGATTATTGTCATGACCCCAAATTA[C>T]GTAGTTAGAAGGGGCTGGAGCATCTTTGAGCTGGAAACCAGACTTCGAAATATGCTTGTG-3'
Protein context (NP_055086.1, residues 471-491): KRLIIVMTPN[Tyr481=]VVRRGWSIFE

ClinVar aggregate classification (germline): Benign/Likely benign. Review status: criteria provided, multiple submitters, no conflicts (2 of 4 stars). 4 submissions from 4 submitters: Benign (2); Likely benign (2). Last evaluated 2023-08-23.

Conditions:
Intellectual developmental disorder, X-linked 21. Also called: Intellectual disability, X-linked 21; MENTAL RETARDATION, X-LINKED 34; Mental retardation, X-linked 21/34. Identifiers: Orphanet 777, MedGen C5551510, MONDO:0010256, OMIM 300143.

Allele frequency attached by ClinVar (database versions not stated): TOPMed 0.00011; ExAC 0.00006; gnomAD exomes 0.00005 and 0.00007; gnomAD 0.00006 and 0.00005.
gnomAD v4.1: 58 of 1,208,926 alleles (0.0048%); highest among the groups gnomAD compares: Middle Eastern, 0.023%; no homozygotes.

Submissions (4):

Blueprint Genetics
Classification: Likely benign. Last evaluated: 2023-08-23. Review status: criteria provided, single submitter. Criteria: ACMG Guidelines, 2015. Collection method: clinical testing. Allele origin: germline.

Labcorp Genetics (formerly Invitae), Labcorp
Classification: Benign. Last evaluated: 2022-07-19. Review status: criteria provided, single submitter. Criteria: Invitae Variant Classification Sherloc (09022015). Collection method: clinical testing. Allele origin: germline.

CeGaT Center for Human Genetics Tuebingen
Classification: Likely benign. Last evaluated: 2020-07-01. Review status: criteria provided, single submitter. Criteria: CeGaT Center For Human Genetics Tuebingen Variant Classification Criteria Version 2. Collection method: clinical testing. Allele origin: germline. Affected: yes. Observed: 1 variant allele.

Illumina Laboratory Services, Illumina
Classification: Benign for Intellectual developmental disorder, X-linked 21. Last evaluated: 2018-01-13. Review status: criteria provided, single submitter. Criteria: ICSL Variant Classification Criteria 13 December 2019. Collection method: clinical testing. Allele origin: germline.
Comment: This variant was observed in the ICSL laboratory as part of a predisposition screen in an ostensibly healthy population. It had not been previously curated by ICSL or reported in the Human Gene Mutation Database (HGMD: prior to June 1st, 2018), and was therefore a candidate for classification through an automated scoring system. Utilizing variant allele frequency, disease prevalence and penetrance estimates, and inheritance mode, an automated score was calculated to assess if this variant is too frequent to cause the disease. Based on the score and internal cut-off values, a variant classified as benign is not then subjected to further curation. The score for this variant resulted in a classification of benign for this disease.